The following is an entry in ClinVar:

ClinVar aggregate classification (germline): Uncertain significance (1 of 4 stars; one submission).

gnomAD v4.1: 26 of 1,613,496 alleles (0.0016%); highest among the groups gnomAD compares: East Asian, 0.0067%; no homozygotes.

Submission:

Labcorp Genetics (formerly Invitae), Labcorp
Classification: Uncertain significance. Last evaluated: 2024-03-16. Review status: criteria provided, single submitter. Criteria: Invitae Variant Classification Sherloc (09022015). Collection method: clinical testing. Allele origin: germline.
Comment: This sequence change affects codon 192 of the ADIPOR1 mRNA. It is a 'silent' change, meaning that it does not change the encoded amino acid sequence of the ADIPOR1 protein. This variant is present in population databases (rs538412808, gnomAD 0.01%). This variant has not been reported in the literature in individuals affected with ADIPOR1-related conditions. Algorithms developed to predict the effect of sequence changes on RNA splicing suggest that this variant may disrupt the consensus splice site. In summary, the available evidence is currently insufficient to determine the role of this variant in disease. Therefore, it has been classified as a Variant of Uncertain Significance.

NM_015999.6(ADIPOR1):c.576C>T (p.Thr192=)

Gene: ADIPOR1 (adiponectin receptor 1; minus strand). Cytogenetic location: 1q32.1.
Variant type: single nucleotide variant.
Coding change: c.576C>T on transcript NM_015999.6 (MANE Select); coding-DNA position 576, C replaced by T.
Protein change: p.Thr192=; no amino-acid change (threonine 192 retained).
Molecular consequence: synonymous variant.
Genome position (GRCh38, 1-based): chr1:202,945,024, G>A on the plus strand (C>T on the coding strand, the complement: ADIPOR1 is on the minus strand). VCF-style: chr1-202945024-G-A. GRCh37 (hg19) VCF-style: chr1-202914152-G-A.
Other names: c.576C>T, p.Thr192= (NM_001290553.2, NM_001290557.1, NM_001290629.1).
Identifiers: ClinVar variation 3713497 (VCV003713497.2).